The following is an entry in ClinVar:

ClinVar aggregate classification (germline): Uncertain significance (1 of 4 stars; one submission).

Submission:

Labcorp Genetics (formerly Invitae), Labcorp
Classification: Uncertain significance. Last evaluated: 2024-09-27. Review status: criteria provided, single submitter. Criteria: Invitae Variant Classification Sherloc (09022015). Collection method: clinical testing. Allele origin: germline.
Comment: This sequence change replaces phenylalanine, which is neutral and non-polar, with leucine, which is neutral and non-polar, at codon 277 of the CSF2RB protein (p.Phe277Leu). This variant is present in population databases (no rsID available, gnomAD 0.0009%). This variant has not been reported in the literature in individuals affected with CSF2RB-related conditions. Invitae Evidence Modeling of protein sequence and biophysical properties (such as structural, functional, and spatial information, amino acid conservation, physicochemical variation, residue mobility, and thermodynamic stability) has been performed for this missense variant. However, the output from this modeling did not meet the statistical confidence thresholds required to predict the impact of this variant on CSF2RB protein function. In summary, the available evidence is currently insufficient to determine the role of this variant in disease. Therefore, it has been classified as a Variant of Uncertain Significance.

NM_000395.3(CSF2RB):c.829T>C (p.Phe277Leu)

Gene: CSF2RB (colony stimulating factor 2 receptor subunit beta; plus strand). Cytogenetic location: 22q12.3.
Variant type: single nucleotide variant.
Coding change: c.829T>C on transcript NM_000395.3 (MANE Select); coding-DNA position 829, T replaced by C.
Protein change: p.Phe277Leu; replaces phenylalanine 277 with leucine.
Molecular consequence: missense variant.
Genome position (GRCh38, 1-based): chr22:36,930,485, T>C. VCF-style: chr22-36930485-T-C. GRCh37 (hg19) VCF-style: chr22-37326527-T-C.
Other names: c.829T>C, p.Phe277Leu (NM_001410827.1); short protein forms F277L.
Identifiers: ClinVar variation 2959310 (VCV002959310.3), dbSNP rs1197218033, ClinGen allele CA411407680.